The following is an entry in ClinVar:

ClinVar aggregate classification (germline): Uncertain significance (1 of 4 stars; one submission).

Submission:

GeneDx
Classification: Uncertain significance. Last evaluated: 2023-03-12. Review status: criteria provided, single submitter. Criteria: GeneDx Variant Classification Process June 2021. Collection method: clinical testing. Allele origin: germline. Affected: yes.
Comment: Frameshift variant predicted to result in protein truncation or nonsense mediated decay in a gene or region of a gene for which loss of function is not a well-established mechanism of disease; Has not been previously published as pathogenic or benign to our knowledge; Variants in candidate genes are classified as variants of uncertain significance in accordance with ACMG guidelines (Richards et al., 2015)

NM_012141.3(INTS6):c.968del (p.Pro323fs)

Gene: INTS6 (integrator complex subunit 6; minus strand). Cytogenetic location: 13q14.3.
Variant type: Deletion.
Coding change: c.968del on transcript NM_012141.3 (MANE Select); coding-DNA position 968, one base deleted (C; older notation c.968delC).
Protein change: p.Pro323fs; shifts the reading frame from proline 323.
Molecular consequence: frameshift variant.
Genome position (GRCh38, 1-based): chr13:51,383,668, G deleted on the plus strand (C on the coding strand, the reverse complement: INTS6 is on the minus strand); the first of 2 consecutive G bases (chr13:51,383,668-51,383,669); deleting either gives the same sequence. VCF-style (leftmost placement, unchanged base first): chr13-51383667-AG-A. GRCh37 (hg19) VCF-style: chr13-51957803-AG-A.
Other names: c.929del, p.Pro310fs (NM_001039937.2); c.434del, p.Pro145fs (NM_001306091.2); short protein forms P145fs, P310fs, P323fs.
Identifiers: ClinVar variation 4529708 (VCV004529708.1).
Genomic context (GRCh38, chr13:51,383,667, plus strand): 5'-AGATTTCCTTTCCAGGATAAATTGAGTCAGTGGTGAAGGTTCCAACTCATATTTGTCAAA[AG>A]GAAGTTTATCAATAACCATTGGTTCACAGTCTGTACAGGAAAACTTCACTACAGGATGAG-3'